The following is an entry in ClinVar:

ClinVar aggregate classification (germline): Conflicting classifications of pathogenicity. Review status: criteria provided, conflicting classifications (1 of 4 stars). 2 submissions from 2 submitters: Uncertain significance (1); Likely benign (1). Last evaluated 2026-01-05.

Conditions:
Charcot-Marie-Tooth disease type 2. Also called: Charcot-Marie-Tooth type 2. Identifiers: Orphanet 64746, MedGen C0270914, MONDO:0018993.

Allele frequency attached by ClinVar (database versions not stated): gnomAD 0.00005.
gnomAD v4.1: 11 of 1,606,786 alleles (0.00068%); highest among the groups gnomAD compares: African/African-American, 0.015%; no homozygotes.

Submissions (2):

Labcorp Genetics (formerly Invitae), Labcorp
Classification: Likely benign for Charcot-Marie-Tooth disease type 2. Last evaluated: 2026-01-05. Review status: criteria provided, single submitter. Criteria: Invitae Variant Classification Sherloc (09022015). Collection method: clinical testing. Allele origin: germline.

Ambry Genetics
Classification: Uncertain significance. Last evaluated: 2021-05-06. Review status: criteria provided, single submitter. Criteria: Ambry Variant Classification Scheme 2023. Collection method: clinical testing. Allele origin: germline.
Comment: The p.M555V variant (also known as c.1663A>G), located in coding exon 13 of the GARS gene, results from an A to G substitution at nucleotide position 1663. The methionine at codon 555 is replaced by valine, an amino acid with highly similar properties. Based on data from gnomAD, the frequency for this variant is above the maximum credible frequency for a disease-causing variant in this gene based on internally established thresholds (Karczewski et al. Nature. 2020 May;581(7809):434-443; Whiffin et al. Genet Med. 2017 10;19:1151-1158). However, this variant was detected in an individual with sensory and motor dysfunction suggestive of Charcot-Marie-Tooth disease 2D (CMT2D) (Forrester N et al. J Neuromuscul Dis, 2020;7:137-143). This amino acid position is highly conserved in available vertebrate species. In addition, this alteration is predicted to be deleterious by in silico analysis. Since supporting evidence is conflicting at this time, the clinical significance of this alteration remains unclear.

Literature cited by the submitters: PubMed 31985473 (cited by Ambry Genetics).

NM_002047.4(GARS1):c.1663A>G (p.Met555Val)

Gene: GARS1 (glycyl-tRNA synthetase 1; plus strand). Cytogenetic location: 7p14.3.
Variant type: single nucleotide variant.
Coding change: c.1663A>G on transcript NM_002047.4 (MANE Select); coding-DNA position 1663, A replaced by G.
Protein change: p.Met555Val; replaces methionine 555 with valine.
Molecular consequence: missense variant.
Genome position (GRCh38, 1-based): chr7:30,626,283, A>G. VCF-style: chr7-30626283-A-G. GRCh37 (hg19) VCF-style: chr7-30665899-A-G.
Other names: c.1501A>G, p.Met501Val (NM_001316772.1); short protein forms M501V, M555V.
Identifiers: ClinVar variation 1680946 (VCV001680946.8), dbSNP rs1023871853, ClinGen allele CA156057173.
Genomic context (GRCh38, chr7:30,626,283, plus strand): 5'-TTTCTTCGTAGGGAATTCACAATTGAAACTGAAGGGAAAACATTTCAGTTAACAAAAGAC[A>G]TGATCAATGTGAAGAGATTCCAGAAAACACTATATGGTAAATTTGTAAAAATAATAAACA-3'
Protein context (NP_002038.2, residues 545-565): EGKTFQLTKD[Met555Val]INVKRFQKTL